The following is an entry in ClinVar:

ClinVar aggregate classification (germline): Uncertain significance (1 of 4 stars; one submission).

Conditions:
USH1C-related disorder. Also called: USH1C-related condition.

Submission:

PreventionGenetics, part of Exact Sciences
Classification: Uncertain significance for USH1C-related condition. Last evaluated: 2024-10-30. Review status: criteria provided, single submitter. Criteria: ACMG Guidelines, 2015. Collection method: clinical testing. Allele origin: germline.
Comment: The USH1C c.2039C>T variant is predicted to result in the amino acid substitution p.Pro680Leu. To our knowledge, this variant has not been reported in the literature. This variant is reported in 0.0054% of alleles in individuals of East Asian descent in gnomAD. At this time, the clinical significance of this variant is uncertain due to the absence of conclusive functional and genetic evidence.

NM_153676.4(USH1C):c.2039C>T (p.Pro680Leu)

Gene: USH1C (USH1 protein network component harmonin; minus strand). Cytogenetic location: 11p15.1.
Variant type: single nucleotide variant.
Coding change: c.2039C>T on transcript NM_153676.4 (MANE Select); coding-DNA position 2039, C replaced by T.
Protein change: p.Pro680Leu; replaces proline 680 with leucine.
Molecular consequence: missense variant. On other transcripts: intron variant (11).
Genome position (GRCh38, 1-based): chr11:17,505,924, G>A on the plus strand (C>T on the coding strand, the complement: USH1C is on the minus strand). VCF-style: chr11-17505924-G-A. GRCh37 (hg19) VCF-style: chr11-17527471-G-A.
Other names: c.1228-3944C>T (NM_001297764.2); c.1211-7653C>T (NM_001440687.1); c.1414-3944C>T (NM_001440681.1); c.1285-3944C>T (NM_001440685.1, NM_005709.4, NM_001440682.1); c.1285-1227C>T (NM_001440683.1); c.1438-3944C>T (NM_001440680.1); c.1261-3944C>T (NM_001440686.1); c.1318-3944C>T (NM_001440684.1); and 1 more; short protein forms P680L.
Identifiers: ClinVar variation 4987734 (VCV004987734.1).